The following is an entry in ClinVar:

ClinVar aggregate classification (germline): Likely benign (1 of 4 stars; one submission).

Conditions:
Congenital contractural arachnodactyly (CCA). Also called: BEALS SYNDROME; Beals-Hecht syndrome; Arthrogryposis, distal, type 9. Identifiers: Orphanet 115, MedGen C0220668, MONDO:0007363, OMIM 121050.

Allele frequency attached by ClinVar (database versions not stated): gnomAD exomes 0.00001; ExAC 0.00002.
gnomAD v4.1: 4 of 1,613,664 alleles (0.00025%); highest among the groups gnomAD compares: South Asian, 0.0044%; no homozygotes.

Submission:

Illumina Laboratory Services, Illumina
Classification: Likely benign for Congenital contractural arachnodactyly. Last evaluated: 2018-01-12. Review status: criteria provided, single submitter. Criteria: ICSL Variant Classification Criteria 13 December 2019. Collection method: clinical testing. Allele origin: germline.
Comment: This variant was observed in the ICSL laboratory as part of a predisposition screen in an ostensibly healthy population. It had not been previously curated by ICSL or reported in the Human Gene Mutation Database (HGMD: prior to June 1st, 2018), and was therefore a candidate for classification through an automated scoring system. Utilizing variant allele frequency, disease prevalence and penetrance estimates, and inheritance mode, an automated score was calculated to assess if this variant is too frequent to cause the disease. Based on the score and internal cut-off values, a variant classified as likely benign is not then subjected to further curation. The score for this variant resulted in a classification of likely benign for this disease.

NM_001999.4(FBN2):c.1821A>G (p.Glu607=)

Gene: FBN2 (fibrillin 2; minus strand). Cytogenetic location: 5q23.3.
Variant type: single nucleotide variant.
Coding change: c.1821A>G on transcript NM_001999.4 (MANE Select); coding-DNA position 1821, A replaced by G.
Protein change: p.Glu607=; no amino-acid change (glutamic acid 607 retained).
Molecular consequence: synonymous variant.
Genome position (GRCh38, 1-based): chr5:128,377,780, T>C on the plus strand (A>G on the coding strand, the complement: FBN2 is on the minus strand). VCF-style: chr5-128377780-T-C. GRCh37 (hg19) VCF-style: chr5-127713473-T-C.
Identifiers: ClinVar variation 905675 (VCV000905675.4), dbSNP rs776515245, ClinGen allele CA3395718.
Genomic context (GRCh38, chr5:128,377,780, plus strand): 5'-ATCTTTTGCAAGGGAGCAGGCAATTTCCATACCAACACAGTTTTTTCCATCTGTAGTTAA[T>C]TCAAAGCCGGCATTGCAAATGCACTGGAAACTTCCATCTGTGTTCACGCATCGACCGTTT-3'
Protein context (NP_001990.2, residues 597-617): SFQCICNAGF[Glu607=]LTTDGKNCVD